The following is an entry in ClinVar:

ClinVar aggregate classification (germline): Pathogenic/Likely pathogenic. Review status: criteria provided, multiple submitters, no conflicts (2 of 4 stars). 5 submissions from 5 submitters: Pathogenic (4); Likely pathogenic (1). Last evaluated 2024-12-04.

Conditions:
Inborn genetic diseases. Identifiers: MedGen C0950123, MeSH D030342.
Microcephaly 5, primary, autosomal recessive (MCPH5). Also called: ASPM Primary Microcephaly. Identifiers: Orphanet 2512, MedGen C1837501, MONDO:0012106, OMIM 608716.

Submissions (5):

Labcorp Genetics (formerly Invitae), Labcorp
Classification: Pathogenic. Last evaluated: 2024-12-04. Review status: criteria provided, single submitter. Criteria: Invitae Variant Classification Sherloc (09022015). Collection method: clinical testing. Allele origin: germline.
Comment: This sequence change creates a premature translational stop signal (p.Lys633Ilefs*8) in the ASPM gene. It is expected to result in an absent or disrupted protein product. Loss-of-function variants in ASPM are known to be pathogenic (PMID: 19028728, 23611254). This variant is present in population databases (no rsID available, gnomAD 0.006%). This premature translational stop signal has been observed in individual(s) with intellectual disability and/or microcephaly (PMID: 30315573, 32404165). For these reasons, this variant has been classified as Pathogenic.

Genome-Nilou Lab
Classification: Pathogenic for Microcephaly 5, primary, autosomal recessive. Last evaluated: 2023-04-11. Review status: criteria provided, single submitter. Criteria: ACMG Guidelines, 2015. Collection method: clinical testing. Allele origin: germline. Affected: no.

Ambry Genetics
Classification: Pathogenic for Inborn genetic diseases. Last evaluated: 2021-03-02. Review status: criteria provided, single submitter. Criteria: Ambry Variant Classification Scheme 2023. Collection method: clinical testing. Allele origin: germline.
Comment: The c.1896_1897delGA (p.K633Ifs*8) alteration, located in exon 3 (coding exon 3) of the ASPM gene, consists of a deletion of 2 nucleotides from position 1896 to 1897, causing a translational frameshift with a predicted alternate stop codon after 8 amino acids. This alteration is expected to result in loss of function by premature protein truncation or nonsense-mediated mRNA decay. This mutation has been reported in two individuals with intellectual disability and microcephaly (Kahrizi, 2019; Issa, 2020). Based on the available evidence, this alteration is classified as pathogenic.

GeneDx
Classification: Pathogenic. Last evaluated: 2019-09-23. Review status: criteria provided, single submitter. Criteria: GeneDx Variant Classification (06012015). Collection method: clinical testing. Allele origin: germline. Affected: yes.
Comment: The c.1896_1897delGA pathogenic variant in the ASPM gene has been reported previously in the homozygous state in an individual with microcephaly and intellectual disability (Kahrizi et al., 2019). This variant causes a frameshift starting with codon Lysine 633, changes this amino acid to an Isoleucine residue and creates a premature Stop codon at position 8 of the new reading frame, denoted p.Lys633IlefsX8. This pathogenic variant is predicted to cause loss of normal protein function either through protein truncation or nonsense-mediated mRNA decay. The c.1896_1897delGA variant is not observed at a significant frequency in large population cohorts (Lek et al., 2016). Therefore, c.1896_1897delGA is considered to be pathogenic.

Juno Genomics, Hangzhou Juno Genomics, Inc
Classification: Likely pathogenic for Microcephaly 5, primary, autosomal recessive. Review status: criteria provided, single submitter. Criteria: ACMG Guidelines, 2015. Collection method: clinical testing. Allele origin: germline.
Comment: Null variant in a gene where loss of function (LOF) is a known mechanism of disease.;Absent from controls (or at extremely low frequency if recessive) in Genome Aggregation Database.

Literature cited by the submitters: PubMed 19028728 (cited by Labcorp Genetics (formerly Invitae), Labcorp); PubMed 23611254 (cited by Labcorp Genetics (formerly Invitae), Labcorp); PubMed 30315573 (cited by Labcorp Genetics (formerly Invitae), Labcorp and Ambry Genetics); PubMed 32404165 (cited by Labcorp Genetics (formerly Invitae), Labcorp and Ambry Genetics).

NM_018136.5(ASPM):c.1896_1897del (p.Lys633fs)

Gene: ASPM (assembly factor for spindle microtubules; minus strand). Cytogenetic location: 1q31.3.
Variant type: Microsatellite.
Coding change: c.1896_1897del on transcript NM_018136.5 (MANE Select); coding-DNA positions 1896 to 1897, 2 bases deleted (GA; older notation c.1896_1897delGA).
Protein change: p.Lys633fs; shifts the reading frame from lysine 633.
Molecular consequence: frameshift variant.
Genome position (GRCh38, 1-based): chr1:197,142,355-197,142,356, TC deleted on the plus strand (GA on the coding strand, the reverse complement: ASPM is on the minus strand); deleting any 2 consecutive bases within chr1:197,142,355-197,142,361 gives the same sequence; the c. name uses the placement nearest the transcript's 3' end. VCF-style (leftmost placement, unchanged base first): chr1-197142354-TTC-T. GRCh37 (hg19) VCF-style: chr1-197111484-TTC-T.
Other names: c.1896_1897del, p.Lys633fs (NM_001206846.2); short protein forms K633fs.
Identifiers: ClinVar variation 817060 (VCV000817060.10), dbSNP rs1170413397, ClinGen allele CA528535317.